The following is an entry in ClinVar:

NM_002519.3(NPAT):c.239C>T (p.Ala80Val)

Gene: NPAT (nuclear protein, coactivator of histone transcription; minus strand). Cytogenetic location: 11q22.3.
Variant type: single nucleotide variant.
Coding change: c.239C>T on transcript NM_002519.3 (MANE Select); coding-DNA position 239, C replaced by T.
Protein change: p.Ala80Val; replaces alanine 80 with valine.
Molecular consequence: missense variant.
Genome position (GRCh38, 1-based): chr11:108,192,169, G>A on the plus strand (C>T on the coding strand, the complement: NPAT is on the minus strand). VCF-style: chr11-108192169-G-A. GRCh37 (hg19) VCF-style: chr11-108062896-G-A.
Other names: c.239C>T, p.Ala80Val (NM_001321307.1); short protein forms A80V.
Identifiers: ClinVar variation 2562547 (VCV002562547.2), dbSNP rs2496751405, ClinGen allele CA382526697.

ClinVar aggregate classification (germline): Uncertain significance (1 of 4 stars; one submission).

Allele frequency attached by ClinVar (database versions not stated): gnomAD exomes below 0.00001.
gnomAD v4.1: 1 of 1,605,046 alleles (0.000062%); highest among the groups gnomAD compares: Non-Finnish European, 0.000085%; no homozygotes.

Submission:

Ambry Genetics
Classification: Uncertain significance. Last evaluated: 2023-05-14. Review status: criteria provided, single submitter. Criteria: Ambry Variant Classification Scheme 2023. Collection method: clinical testing. Allele origin: germline.
Comment: The p.A80V variant (also known as c.239C>T), located in coding exon 4 of the NPAT gene, results from a C to T substitution at nucleotide position 239. The alanine at codon 80 is replaced by valine, an amino acid with similar properties. This amino acid position is conserved. In addition, this alteration is predicted to be tolerated by in silico analysis. Since supporting evidence is limited at this time, the clinical significance of this alteration remains unclear.